The following is an entry in ClinVar:

ClinVar aggregate classification (germline): Uncertain significance (1 of 4 stars; one submission).

Conditions:
Inborn genetic diseases. Identifiers: MedGen C0950123, MeSH D030342.

Submission:

Ambry Genetics
Classification: Uncertain significance for Inborn genetic diseases. Last evaluated: 2024-11-02. Review status: criteria provided, single submitter. Criteria: Ambry Variant Classification Scheme 2023. Collection method: clinical testing. Allele origin: germline.
Comment: The p.G408R variant (also known as c.1222G>C), located in coding exon 9 of the EPAS1 gene, results from a G to C substitution at nucleotide position 1222. The glycine at codon 408 is replaced by arginine, an amino acid with dissimilar properties. This amino acid position is conserved. In addition, this alteration is predicted to be deleterious by in silico analysis. Based on the available evidence, the clinical significance of this variant remains unclear.

NM_001430.5(EPAS1):c.1222G>C (p.Gly408Arg)

Gene: EPAS1 (endothelial PAS domain protein 1; plus strand). Cytogenetic location: 2p21.
Variant type: single nucleotide variant.
Coding change: c.1222G>C on transcript NM_001430.5 (MANE Select); coding-DNA position 1222, G replaced by C.
Protein change: p.Gly408Arg; replaces glycine 408 with arginine.
Molecular consequence: missense variant.
Genome position (GRCh38, 1-based): chr2:46,376,726, G>C. VCF-style: chr2-46376726-G-C. GRCh37 (hg19) VCF-style: chr2-46603865-G-C.
Other names: short protein forms G408R.
Identifiers: ClinVar variation 3509016 (VCV003509016.1).
Genomic context (GRCh38, chr2:46,376,726, plus strand): 5'-TTCCTATTCACCAAGCTAAAGGAGGAGCCCGAGGAGCTGGCCCAGCTGGCTCCCACCCCA[G>C]GAGACGCCATCATCTCTCTGGATTTCGGTGGGTGCTTCTTAGCTAAGCCAGGCCCCTGGA-3'
Protein context (NP_001421.2, residues 398-418): EELAQLAPTP[Gly408Arg]DAIISLDFGN